The following is an entry in ClinVar:

ClinVar aggregate classification (germline): Pathogenic (1 of 4 stars; one submission).

Conditions:
Immunodeficiency, common variable, 1. Also called: ANTIBODY DEFICIENCY DUE TO ICOS DEFECT. Identifiers: Orphanet 1572, Orphanet 695183, MedGen C3149378, MONDO:0011864, OMIM 607594.

Submission:

Labcorp Genetics (formerly Invitae), Labcorp
Classification: Pathogenic for Immunodeficiency, common variable, 1. Last evaluated: 2023-08-17. Review status: criteria provided, single submitter. Criteria: Invitae Variant Classification Sherloc (09022015). Collection method: clinical testing. Allele origin: germline.
Comment: ClinVar contains an entry for this variant (Variation ID: 940397). For these reasons, this variant has been classified as Pathogenic. This variant has not been reported in the literature in individuals affected with ICOS-related conditions. This sequence change creates a premature translational stop signal (p.Ile61Tyrfs*20) in the ICOS gene. It is expected to result in an absent or disrupted protein product. Loss-of-function variants in ICOS are known to be pathogenic (PMID: 11343122, 12577056, 19380800). This variant is not present in population databases (gnomAD no frequency).

Literature cited by the submitters: PubMed 11343122; PubMed 12577056; PubMed 19380800.

NM_012092.4(ICOS):c.181del (p.Ile61fs)

Gene: ICOS (inducible T cell costimulator; plus strand). Cytogenetic location: 2q33.2.
Variant type: Deletion.
Coding change: c.181del on transcript NM_012092.4 (MANE Select); coding-DNA position 181, one base deleted (A; older notation c.181delA).
Protein change: p.Ile61fs; shifts the reading frame from isoleucine 61.
Molecular consequence: frameshift variant.
Genome position (GRCh38, 1-based): chr2:203,955,758, A deleted; the last of 3 consecutive A bases (chr2:203,955,756-203,955,758); deleting any one gives the same sequence. VCF-style (leftmost placement, unchanged base first): chr2-203955755-CA-C. GRCh37 (hg19) VCF-style: chr2-204820478-CA-C.
Other names: short protein forms I61fs.
Identifiers: ClinVar variation 940397 (VCV000940397.7), dbSNP rs1690066397, ClinGen allele CA1139657637.